The following is an entry in ClinVar:

ClinVar aggregate classification (germline): Uncertain significance (1 of 4 stars; one submission).

Allele frequency attached by ClinVar (database versions not stated): ExAC 0.00001; gnomAD exomes 0.00001 and 0.00004.

Submission:

Labcorp Genetics (formerly Invitae), Labcorp
Classification: Uncertain significance. Last evaluated: 2024-10-21. Review status: criteria provided, single submitter. Criteria: Invitae Variant Classification Sherloc (09022015). Collection method: clinical testing. Allele origin: germline.
Comment: This sequence change replaces methionine, which is neutral and non-polar, with isoleucine, which is neutral and non-polar, at codon 1313 of the MTOR protein (p.Met1313Ile). This variant is not present in population databases (gnomAD no frequency). This variant has not been reported in the literature in individuals affected with MTOR-related conditions. ClinVar contains an entry for this variant (Variation ID: 935780). Invitae Evidence Modeling of protein sequence and biophysical properties (such as structural, functional, and spatial information, amino acid conservation, physicochemical variation, residue mobility, and thermodynamic stability) indicates that this missense variant is not expected to disrupt MTOR protein function with a negative predictive value of 95%. In summary, the available evidence is currently insufficient to determine the role of this variant in disease. Therefore, it has been classified as a Variant of Uncertain Significance.

NM_004958.4(MTOR):c.3939G>A (p.Met1313Ile)

Gene: MTOR (mechanistic target of rapamycin kinase; minus strand). Cytogenetic location: 1p36.22.
Variant type: single nucleotide variant.
Coding change: c.3939G>A on transcript NM_004958.4 (MANE Select); coding-DNA position 3939, G replaced by A.
Protein change: p.Met1313Ile; replaces methionine 1313 with isoleucine.
Molecular consequence: missense variant.
Genome position (GRCh38, 1-based): chr1:11,204,566, C>T on the plus strand (G>A on the coding strand, the complement: MTOR is on the minus strand). VCF-style: chr1-11204566-C-T. GRCh37 (hg19) VCF-style: chr1-11264623-C-T.
Other names: short protein forms M1313I.
Identifiers: ClinVar variation 935780 (VCV000935780.8), dbSNP rs749942721, ClinGen allele CA590096.